The following is an entry in ClinVar:

NM_014324.6(AMACR):c.179C>T (p.Pro60Leu)

Genes: C1QTNF3-AMACR (C1QTNF3-AMACR readthrough (NMD candidate); minus strand), AMACR (alpha-methylacyl-CoA racemase; minus strand). Cytogenetic location: 5p13.2.
Variant type: single nucleotide variant.
Coding change: c.179C>T on transcript NM_014324.6 (MANE Select); coding-DNA position 179, C replaced by T.
Protein change: p.Pro60Leu; replaces proline 60 with leucine.
Molecular consequence: missense variant.
Genome position (GRCh38, 1-based): chr5:34,007,841, G>A on the plus strand (C>T on the coding strand, the complement: AMACR is on the minus strand). VCF-style: chr5-34007841-G-A. GRCh37 (hg19) VCF-style: chr5-34007946-G-A.
Other names: c.179C>T, p.Pro60Leu (NM_001167595.2, NM_203382.3); short protein forms P60L.
Identifiers: ClinVar variation 1931283 (VCV001931283.5), dbSNP rs1754041546, ClinGen allele CA359385133.
Genomic context (GRCh38, chr5:34,007,841, plus strand): 5'-AAGGGCTCCAGCAGCACATCCGACCGCTTGCACAGACGCCGCAGCACGGCGGCTCCCCGC[G>A]GCTGCTTCAGGTCCAGCACTAGCGAGCGCTTGCCCCGGCCCAAGCGGCTCACGTCGTAGC-3'
Protein context (NP_055139.4, residues 50-70): KRSLVLDLKQ[Pro60Leu]RGAAVLRRLC

ClinVar aggregate classification (germline): Uncertain significance (1 of 4 stars; one submission).

Conditions:
Alpha-methylacyl-CoA racemase deficiency (AMACRD). Also called: AMACR deficiency. Identifiers: Orphanet 79095, MedGen C3280428, MONDO:0013681, OMIM 614307. Disease mechanism: loss of function.

Submission:

Labcorp Genetics (formerly Invitae), Labcorp
Classification: Uncertain significance for Alpha-methylacyl-CoA racemase deficiency. Last evaluated: 2022-02-17. Review status: criteria provided, single submitter. Criteria: Invitae Variant Classification Sherloc (09022015). Collection method: clinical testing. Allele origin: germline.
Comment: This variant is not present in population databases (gnomAD no frequency). This sequence change replaces proline, which is neutral and non-polar, with leucine, which is neutral and non-polar, at codon 60 of the AMACR protein (p.Pro60Leu). This variant has not been reported in the literature in individuals affected with AMACR-related conditions. Algorithms developed to predict the effect of missense changes on protein structure and function are either unavailable or do not agree on the potential impact of this missense change (SIFT: "Deleterious"; PolyPhen-2: "Possibly Damaging"; Align-GVGD: "Class C0"). In summary, the available evidence is currently insufficient to determine the role of this variant in disease. Therefore, it has been classified as a Variant of Uncertain Significance.